The following is an entry in ClinVar:

NM_000277.3(PAH):c.1038del (p.Leu347fs)

Gene: PAH (phenylalanine hydroxylase; minus strand). Cytogenetic location: 12q23.2.
Variant type: Deletion.
Coding change: c.1038del on transcript NM_000277.3 (MANE Select); coding-DNA position 1038, one base deleted (G; older notation c.1038delG).
Protein change: p.Leu347fs; shifts the reading frame from leucine 347.
Molecular consequence: frameshift variant.
Genome position (GRCh38, 1-based): chr12:102,844,363, C deleted on the plus strand (G on the coding strand, the reverse complement: PAH is on the minus strand); the first of 3 consecutive C bases (chr12:102,844,363-102,844,365); deleting any one gives the same sequence. VCF-style (leftmost placement, unchanged base first): chr12-102844362-GC-G. GRCh37 (hg19) VCF-style: chr12-103238140-GC-G.
Other names: NM_000277.3(PAH):c.1038del; p.Leu347fs; c.1038del, p.Leu347fs (NM_001354304.2); short protein forms L347fs.
Identifiers: ClinVar variation 102487 (VCV000102487.8), dbSNP rs62516063, ClinGen allele CA229295.
Genomic context (GRCh38, chr12:102,844,362, plus strand): 5'-TTAAATCTATCCTTGGTTCCTGTGAAGGTCATACCTGTAATTCACCAAAGGATGACAGGA[GC>G]CCAGCACCATATGCCTTTATGGAGTCTCCTTGTTTGCAGAGCCCAAACTCCACAGTAAAC-3'

ClinVar aggregate classification (germline): Pathogenic. Review status: reviewed by expert panel (3 of 4 stars). 4 submissions from 4 submitters: Pathogenic (1). 3 of the submissions do not count toward it. Last evaluated 2021-10-10.

Conditions:
Phenylketonuria (PKU). Also called: Phenylketonuria (PKU); FOLLING DISEASE; OLIGOPHRENIA PHENYLPYRUVICA; Phenylketonurias. Identifiers: Orphanet 716, MedGen C0031485, MONDO:0009861, OMIM 261600. Disease mechanism: loss of function.

Submissions (4):

ClinGen PAH Variant Curation Expert Panel
Classification: Pathogenic for Phenylketonuria. Last evaluated: 2021-10-10. Review status: reviewed by expert panel. Criteria: ClinGen PAH ACMG Specifications v1. Collection method: curation. Allele origin: germline. Inheritance: Autosomal recessive inheritance.
Comment: BH4 deficiency excluded (PMID: 8406445; PP4). This frameshift variant is predicted to undergo NMD, not located in last exon or last 50bp of preliminary exon. Coding exon number 10 out of 13 coding exons (10 out of total exons) (PVS1). This variant is absent from population databases (PM2). In summary, this variant meets criteria to be classified as pathogenic for PAH. PAH-specific ACMG/AMP criteria applied: PVS1, PM2, PP4.

Labcorp Genetics (formerly Invitae), Labcorp
Classification: Pathogenic for Phenylketonuria. Last evaluated: 2021-09-26. Review status: criteria provided, single submitter. Criteria: Invitae Variant Classification Sherloc (09022015). Collection method: clinical testing. Allele origin: germline. Not counted in ClinVar's aggregate classification.
Comment: For these reasons, this variant has been classified as Pathogenic. ClinVar contains an entry for this variant (Variation ID: 102487). This variant is also known as 346delG. This premature translational stop signal has been observed in individual(s) with hyperphenylalaninemia (PMID: 8406445). This variant is not present in population databases (ExAC no frequency). This sequence change creates a premature translational stop signal (p.Leu347Serfs*53) in the PAH gene. It is expected to result in an absent or disrupted protein product. Loss-of-function variants in PAH are known to be pathogenic (PMID: 1301187, 9634518).

Women's Health and Genetics/Laboratory Corporation of America, LabCorp
Classification: Pathogenic for Phenylketonuria. Last evaluated: 2018-05-17. Review status: criteria provided, single submitter. Criteria: LabCorp Variant Classification Summary - May 2015. Collection method: clinical testing. Allele origin: germline. Not counted in ClinVar's aggregate classification.
Comment: Variant summary: PAH c.1038delG (p.Leu347SerfsX53) results in a premature termination codon, predicted to cause a truncation of the encoded protein or absence of the protein due to nonsense mediated decay, which are commonly known mechanisms for disease. Truncations downstream of this position have been classified as pathogenic by our laboratory (eg. c.1055delG/p.Gly352fsX48, c.1089delG/p.Lys363fsX37). The variant was absent in 246240 control chromosomes. c.1038delG has been reported in the literature in individuals affected with Phenylalanine Hydroxylase Deficiency (Phenylketonuria) and mild HPA depending on the second allele. These data indicate that the variant is associated with disease. To our knowledge, no experimental evidence demonstrating an impact on protein function has been reported. No clinical diagnostic laboratories have submitted clinical-significance assessments for this variant to ClinVar after 2014. Based on the evidence outlined above, the variant was classified as pathogenic.

DeBelle Laboratory for Biochemical Genetics, MUHC/MCH RESEARCH INSTITUTE
No classification provided. Review status: no classification provided. Collection method: not provided. Allele origin: not provided. Not counted in ClinVar's aggregate classification.

Literature cited by the submitters: PubMed 8406445 (cited by Labcorp Genetics (formerly Invitae), Labcorp and Women's Health and Genetics/Laboratory Corporation of America, LabCorp); PubMed 1301187 (cited by Labcorp Genetics (formerly Invitae), Labcorp); PubMed 9634518 (cited by Labcorp Genetics (formerly Invitae), Labcorp); PubMed 12409276 (cited by Women's Health and Genetics/Laboratory Corporation of America, LabCorp); PubMed 26542770 (cited by Women's Health and Genetics/Laboratory Corporation of America, LabCorp).